The following is an entry in ClinVar:

NM_000179.3(MSH6):c.311C>A (p.Pro104His)

Gene: MSH6 (mutS homolog 6; plus strand). Cytogenetic location: 2p16.3.
Variant type: single nucleotide variant.
Coding change: c.311C>A on transcript NM_000179.3 (MANE Select); coding-DNA position 311, C replaced by A.
Protein change: p.Pro104His; replaces proline 104 with histidine.
Molecular consequence: missense variant. On other transcripts: 5 prime UTR variant (2), intron variant (1).
Genome position (GRCh38, 1-based): chr2:47,790,977, C>A. VCF-style: chr2-47790977-C-A. GRCh37 (hg19) VCF-style: chr2-48018116-C-A.
Other names: c.-426C>A (NM_001281493.2); c.-592C>A (NM_001281494.2); c.237+7507C>A (NM_001281492.2); short protein forms P104H.
Identifiers: ClinVar variation 822931 (VCV000822931.4), dbSNP rs1572708628, ClinGen allele CA346736824.

ClinVar aggregate classification (germline): Uncertain significance (1 of 4 stars; one submission).

Conditions:
Hereditary cancer-predisposing syndrome. Also called: Tumor predisposition; Hereditary Cancer Syndrome; Neoplastic Syndromes, Hereditary; Hereditary neoplastic syndrome. Identifiers: Orphanet 140162, MedGen C0027672, MeSH D009386, MONDO:0015356.

Submission:

Ambry Genetics
Classification: Uncertain significance for Hereditary cancer-predisposing syndrome. Last evaluated: 2018-03-28. Review status: criteria provided, single submitter. Criteria: Ambry Variant Classification Scheme 2023. Collection method: clinical testing. Allele origin: germline.
Comment: The p.P104H variant (also known as c.311C>A), located in coding exon 2 of the MSH6 gene, results from a C to A substitution at nucleotide position 311. The proline at codon 104 is replaced by histidine, an amino acid with similar properties. This amino acid position is highly conserved in available vertebrate species. In addition, this alteration is predicted to be deleterious by in silico analysis. In addition, the CoDP in silico tool predicts this alteration to have minor impact on molecular function, with a score of 0.031 (Terui H et al. J. Biomed. Sci. 2013 Apr;20:25). Since supporting evidence is limited at this time, the clinical significance of this alteration remains unclear.